The following is an entry in ClinVar:

ClinVar aggregate classification (germline): Uncertain significance (1 of 4 stars; one submission).

Conditions:
PLXNA4-related disorder. Also called: PLXNA4-related condition.

gnomAD v4.1: 11 of 1,614,038 alleles (0.00068%); highest among the groups gnomAD compares: East Asian, 0.0045%; no homozygotes.

Submission:

PreventionGenetics, part of Exact Sciences
Classification: Uncertain significance for PLXNA4-related condition. Last evaluated: 2026-06-05. Review status: criteria provided, single submitter. Criteria: ACMG Guidelines, 2015. Collection method: clinical testing. Allele origin: germline.
Comment: The PLXNA4 c.1474G>A variant is predicted to result in the amino acid substitution p.Glu492Lys. To our knowledge, this variant has not been reported in the literature. This variant is reported in 0.010% of alleles in individuals of East Asian descent in gnomAD. At this time, the clinical significance of this variant is uncertain due to the absence of conclusive functional and genetic evidence.

NM_020911.2(PLXNA4):c.1474G>A (p.Glu492Lys)

Gene: PLXNA4 (plexin A4; minus strand). Cytogenetic location: 7q32.3.
Variant type: single nucleotide variant.
Coding change: c.1474G>A on transcript NM_020911.2 (MANE Select); coding-DNA position 1474, G replaced by A.
Protein change: p.Glu492Lys; replaces glutamic acid 492 with lysine.
Molecular consequence: missense variant.
Genome position (GRCh38, 1-based): chr7:132,298,120, C>T on the plus strand (G>A on the coding strand, the complement: PLXNA4 is on the minus strand). VCF-style: chr7-132298120-C-T. GRCh37 (hg19) VCF-style: chr7-131982879-C-T.
Other names: c.1474G>A, p.Glu492Lys (NM_001393897.1); short protein forms E492K.
Identifiers: ClinVar variation 4987396 (VCV004987396.1).
Genomic context (GRCh38, chr7:132,298,120, plus strand): 5'-CAAATGTCTAGCGGAGCCCGAAGAGCCTTACCTGCCTCTCTGACATGATGTAGAGTTGCT[C>T]GTGGTCCTTGGAGAAGGCCATATCCCGGAGGACTGGGCCGGGGTCCACCACCTGCACCGT-3'
Protein context (NP_065962.1, residues 482-502): LRDMAFSKDH[Glu492Lys]QLYIMSERQL